The following is an entry in ClinVar:

NM_005612.5(REST):c.2579T>A (p.Leu860His)

Gene: REST (RE1 silencing transcription factor; plus strand). Cytogenetic location: 4q12.
Variant type: single nucleotide variant.
Coding change: c.2579T>A on transcript NM_005612.5 (MANE Select); coding-DNA position 2579, T replaced by A.
Protein change: p.Leu860His; replaces leucine 860 with histidine.
Molecular consequence: missense variant.
Genome position (GRCh38, 1-based): chr4:56,931,437, T>A. VCF-style: chr4-56931437-T-A. GRCh37 (hg19) VCF-style: chr4-57797603-T-A.
Other names: c.2579T>A, p.Leu860His (NM_001193508.2, NM_001363453.3); short protein forms L860H.
Identifiers: ClinVar variation 2884686 (VCV002884686.3), dbSNP rs773645911, ClinGen allele CA2932516.
Genomic context (GRCh38, chr4:56,931,437, plus strand): 5'-TTGGCTTAGTGCCTGTTAAAGATAGCTGGCTTCTAAAGGAAAGTGTAAGCACAGAGGATC[T>A]CTCACCACCATCACCACCACTGCCAAAGGAAAATTTAAGAGAAGAGGCATCAGGAGACCA-3'
Protein context (NP_005603.3, residues 850-870): LLKESVSTED[Leu860His]SPPSPPLPKE

ClinVar aggregate classification (germline): Uncertain significance (1 of 4 stars; one submission).

Allele frequency attached by ClinVar (database versions not stated): gnomAD exomes 0.00004; ExAC 0.00026.
gnomAD v4.1: 72 of 1,614,204 alleles (0.0045%); highest among the groups gnomAD compares: Non-Finnish European, 0.0047%; no homozygotes.

Submission:

Labcorp Genetics (formerly Invitae), Labcorp
Classification: Uncertain significance. Last evaluated: 2023-08-28. Review status: criteria provided, single submitter. Criteria: Invitae Variant Classification Sherloc (09022015). Collection method: clinical testing. Allele origin: germline.
Comment: This sequence change replaces leucine, which is neutral and non-polar, with histidine, which is basic and polar, at codon 860 of the REST protein (p.Leu860His). This variant is present in population databases (rs773645911, gnomAD 0.03%), and has an allele count higher than expected for a pathogenic variant. In summary, the available evidence is currently insufficient to determine the role of this variant in disease. Therefore, it has been classified as a Variant of Uncertain Significance. Algorithms developed to predict the effect of missense changes on protein structure and function output the following: SIFT: "Not Available"; PolyPhen-2: "Possibly Damaging"; Align-GVGD: "Not Available". The histidine amino acid residue is found in multiple mammalian species, which suggests that this missense change does not adversely affect protein function. This variant has not been reported in the literature in individuals affected with REST-related conditions.